The following is an entry in ClinVar:

ClinVar aggregate classification (germline): Likely benign. Review status: criteria provided, multiple submitters, no conflicts (2 of 4 stars). 2 submissions from 2 submitters: Likely benign (2). Last evaluated 2025-10-27.

Conditions:
Long QT syndrome (LQTS). Identifiers: MedGen C0023976, MeSH D008133, MONDO:0002442. Disease mechanism: loss of function. Inheritance: Various modes of inheritance.

Allele frequency attached by ClinVar (database versions not stated): TOPMed below 0.00001; gnomAD 0.00001; ExAC 0.00002; gnomAD exomes 0.00002 and 0.00005.
gnomAD v4.1: 70 of 1,585,560 alleles (0.0044%); highest among the groups gnomAD compares: Non-Finnish European, 0.0057%; no homozygotes.

Submissions (2):

Labcorp Genetics (formerly Invitae), Labcorp
Classification: Likely benign for Long QT syndrome. Last evaluated: 2025-10-27. Review status: criteria provided, single submitter. Criteria: Invitae Variant Classification Sherloc (09022015). Collection method: clinical testing. Allele origin: germline.

GeneDx
Classification: Likely benign. Last evaluated: 2018-02-28. Review status: criteria provided, single submitter. Criteria: GeneDx Variant Classification (06012015). Collection method: clinical testing. Allele origin: germline. Affected: yes.
Comment: This variant is considered likely benign or benign based on one or more of the following criteria: it is a conservative change, it occurs at a poorly conserved position in the protein, it is predicted to be benign by multiple in silico algorithms, and/or has population frequency not consistent with disease.

NM_001148.6(ANK2):c.693+20C>A

Gene: ANK2 (ankyrin 2; plus strand). Cytogenetic location: 4q26.
Variant type: single nucleotide variant.
Coding change: c.693+20C>A on transcript NM_001148.6 (MANE Select); 20 bases into the intron after coding-DNA position 693, C replaced by A.
Molecular consequence: intron variant.
Genome position (GRCh38, 1-based): chr4:113,237,642, C>A. VCF-style: chr4-113237642-C-A. GRCh37 (hg19) VCF-style: chr4-114158798-C-A.
Other names: c.681+20C>A (NM_001386186.2, NM_001386148.2, NM_001354269.3); c.657+470C>A (NM_001386187.2); c.651+470C>A (NM_001386147.1, NM_001386160.1, NM_001354261.2); c.630+20C>A (NM_001354254.2, NM_001354239.2, NM_001354252.2 and 14 more transcripts); c.606+470C>A (NM_001354249.2, NM_001354266.2, NM_001354276.2 and 16 more transcripts); c.738+20C>A (NM_001354241.2, NM_001386152.1, NM_001354237.2 and 5 more transcripts); c.693+20C>A (NM_001354225.2, NM_001354235.2, NM_001354246.2 and 9 more transcripts); c.744+20C>A (NM_001386174.1); and 1 more.
Identifiers: ClinVar variation 515911 (VCV000515911.5), dbSNP rs759313576, ClinGen allele CA3050083.